The following is an entry in ClinVar:

NM_001267550.2(TTN):c.102938A>G (p.Lys34313Arg)

Genes: TTN-AS1 (TTN antisense RNA 1; plus strand), TTN (titin; minus strand). Cytogenetic location: 2q31.2.
Variant type: single nucleotide variant.
Coding change: c.102938A>G on transcript NM_001267550.2 (MANE Select); coding-DNA position 102938, A replaced by G.
Protein change: p.Lys34313Arg; replaces lysine 34313 with arginine.
Molecular consequence: missense variant.
Genome position (GRCh38, 1-based): chr2:178,533,677, T>C on the plus strand (A>G on the coding strand, the complement: TTN is on the minus strand). VCF-style: chr2-178533677-T-C. GRCh37 (hg19) VCF-style: chr2-179398404-T-C.
Other names: c.98015A>G, p.Lys32672Arg (NM_001256850.1); c.75743A>G, p.Lys25248Arg (NM_003319.4); c.95234A>G, p.Lys31745Arg (NM_133378.4); c.76118A>G, p.Lys25373Arg (NM_133432.3); c.76319A>G, p.Lys25440Arg (NM_133437.4); short protein forms K31745R, K34313R, K25248R, K25373R, K25440R, K32672R.
Identifiers: ClinVar variation 835157 (VCV000835157.10), dbSNP rs1027988280, ClinGen allele CA349415735.

ClinVar aggregate classification (germline): Uncertain significance (1 of 4 stars; one submission).

Conditions:
Dilated cardiomyopathy 1G (CMD1G). Identifiers: Orphanet 154, MedGen C1858763, MONDO:0011400, OMIM 604145.
Autosomal recessive limb-girdle muscular dystrophy type 2J (LGMDR10). Also called: Limb-girdle muscular dystrophy, type 2J; MUSCULAR DYSTROPHY, LIMB-GIRDLE, AUTOSOMAL RECESSIVE 10. Identifiers: Orphanet 140922, MedGen C1837342, MONDO:0012127, OMIM 608807.

Submission:

Labcorp Genetics (formerly Invitae), Labcorp
Classification: Uncertain significance for Dilated cardiomyopathy 1G; Autosomal recessive limb-girdle muscular dystrophy type 2J. Last evaluated: 2022-08-09. Review status: criteria provided, single submitter. Criteria: Invitae Variant Classification Sherloc (09022015). Collection method: clinical testing. Allele origin: germline.
Comment: In summary, the available evidence is currently insufficient to determine the role of this variant in disease. Therefore, it has been classified as a Variant of Uncertain Significance. This variant is located in the M band of TTN (PMID: 25589632). Variants in this region may be relevant for neuromuscular disorders, but have not been definitively shown to cause cardiomyopathy (PMID: 23975875). Experimental studies and prediction algorithms are not available or were not evaluated, and the functional significance of this variant is currently unknown. ClinVar contains an entry for this variant (Variation ID: 835157). This variant has not been reported in the literature in individuals affected with TTN-related conditions. This variant is not present in population databases (gnomAD no frequency). This sequence change replaces lysine, which is basic and polar, with arginine, which is basic and polar, at codon 34313 of the TTN protein (p.Lys34313Arg).

Literature cited by the submitters: PubMed 25589632; PubMed 23975875.